The following is an entry in ClinVar:

NM_015466.4(PTPN23):c.1003+19G>C

Gene: PTPN23 (protein tyrosine phosphatase non-receptor type 23; plus strand). Cytogenetic location: 3p21.31.
Variant type: single nucleotide variant.
Coding change: c.1003+19G>C on transcript NM_015466.4 (MANE Select); 19 bases into the intron after coding-DNA position 1003, G replaced by C.
Molecular consequence: intron variant.
Genome position (GRCh38, 1-based): chr3:47,407,603, G>C. VCF-style: chr3-47407603-G-C. GRCh37 (hg19) VCF-style: chr3-47449093-G-C.
Other names: c.625+19G>C (NM_001304482.2).
Identifiers: ClinVar variation 1974093 (VCV001974093.5), dbSNP rs888244739, ClinGen allele CA1362545148.

ClinVar aggregate classification (germline): Uncertain significance (1 of 4 stars; one submission).

Submission:

Labcorp Genetics (formerly Invitae), Labcorp
Classification: Uncertain significance. Last evaluated: 2022-06-29. Review status: criteria provided, single submitter. Criteria: Invitae Variant Classification Sherloc (09022015). Collection method: clinical testing. Allele origin: germline.
Comment: Algorithms developed to predict the effect of sequence changes on RNA splicing suggest that this variant may disrupt the consensus splice site. In summary, the available evidence is currently insufficient to determine the role of this variant in disease. Therefore, it has been classified as a Variant of Uncertain Significance. This variant has not been reported in the literature in individuals affected with PTPN23-related conditions. This sequence change falls in intron 12 of the PTPN23 gene. It does not directly change the encoded amino acid sequence of the PTPN23 protein. This variant is not present in population databases (gnomAD no frequency).